The following is an entry in ClinVar:

NM_020975.6(RET):c.2424A>C (p.Lys808Asn)

Gene: RET (ret proto-oncogene; plus strand). Cytogenetic location: 10q11.21.
Variant type: single nucleotide variant.
Coding change: c.2424A>C on transcript NM_020975.6 (MANE Select); coding-DNA position 2424, A replaced by C.
Protein change: p.Lys808Asn; replaces lysine 808 with asparagine.
Molecular consequence: missense variant.
Genome position (GRCh38, 1-based): chr10:43,119,562, A>C. VCF-style: chr10-43119562-A-C. GRCh37 (hg19) VCF-style: chr10-43615010-A-C.
Other names: c.2424A>C, p.Lys808Asn (NM_000323.2, NM_001406743.1, NM_001406744.1 and 4 more transcripts); c.1662A>C, p.Lys554Asn (NM_001355216.2); c.2295A>C, p.Lys765Asn (NM_001406761.1, NM_001406762.1, NM_001406764.1); c.2289A>C, p.Lys763Asn (NM_001406763.1, NM_001406765.1); c.2136A>C, p.Lys712Asn (NM_001406766.1, NM_001406767.1, NM_001406770.1); c.2160A>C, p.Lys720Asn (NM_001406768.1); c.2028A>C, p.Lys676Asn (NM_001406769.1, NM_001406772.1); c.1986A>C, p.Lys662Asn (NM_001406771.1, NM_001406773.1); and 10 more; short protein forms K464N, K662N, K676N, K765N, K808N, K325N, K413N, K466N.
Identifiers: ClinVar variation 1991970 (VCV001991970.5), dbSNP rs753446269, ClinGen allele CA039188.

ClinVar aggregate classification (germline): Uncertain significance. Review status: criteria provided, multiple submitters, no conflicts (2 of 4 stars). 2 submissions from 2 submitters: Uncertain significance (2). Last evaluated 2023-11-19.

Conditions:
Hereditary cancer-predisposing syndrome. Also called: Tumor predisposition; Hereditary Cancer Syndrome; Hereditary neoplastic syndrome; Neoplastic Syndromes, Hereditary. Identifiers: Orphanet 140162, MedGen C0027672, MeSH D009386, MONDO:0015356.
Multiple endocrine neoplasia, type 2 (MEN2). Identifiers: Orphanet 653, MedGen C4048306, MONDO:0019003. Disease mechanism: gain of function.

Allele frequency attached by ClinVar (database versions not stated): gnomAD exomes below 0.00001; ExAC 0.00001; TOPMed 0.00002.
gnomAD v4.1: 3 of 1,609,408 alleles (0.00019%); highest among the groups gnomAD compares: South Asian, 0.0033%; no homozygotes.

Submissions (2):

Ambry Genetics
Classification: Uncertain significance for Hereditary cancer-predisposing syndrome. Last evaluated: 2023-11-19. Review status: criteria provided, single submitter. Criteria: Ambry Variant Classification Scheme 2023. Collection method: clinical testing. Allele origin: germline.
Comment: The p.K808N variant (also known as c.2424A>C), located in coding exon 14 of the RET gene, results from an A to C substitution at nucleotide position 2424. The lysine at codon 808 is replaced by asparagine, an amino acid with similar properties. This amino acid position is conserved. In addition, the in silico prediction for this alteration is inconclusive. Since supporting evidence is limited at this time, the clinical significance of this alteration remains unclear.

Labcorp Genetics (formerly Invitae), Labcorp
Classification: Uncertain significance for Multiple endocrine neoplasia, type 2. Last evaluated: 2022-02-22. Review status: criteria provided, single submitter. Criteria: Invitae Variant Classification Sherloc (09022015). Collection method: clinical testing. Allele origin: germline.
Comment: This sequence change replaces lysine, which is basic and polar, with asparagine, which is neutral and polar, at codon 808 of the RET protein (p.Lys808Asn). This variant is present in population databases (rs753446269, gnomAD 0.007%). This variant has not been reported in the literature in individuals affected with RET-related conditions. Algorithms developed to predict the effect of missense changes on protein structure and function are either unavailable or do not agree on the potential impact of this missense change (SIFT: "Deleterious"; PolyPhen-2: "Probably Damaging"; Align-GVGD: "Class C0"). In summary, the available evidence is currently insufficient to determine the role of this variant in disease. Therefore, it has been classified as a Variant of Uncertain Significance.